The following is an entry in ClinVar:

ClinVar aggregate classification (germline): Uncertain significance (1 of 4 stars; one submission).

Submission:

Labcorp Genetics (formerly Invitae), Labcorp
Classification: Uncertain significance. Last evaluated: 2026-01-07. Review status: criteria provided, single submitter. Criteria: Invitae Variant Classification Sherloc (09022015). Collection method: clinical testing. Allele origin: germline.
Comment: This sequence change replaces phenylalanine, which is neutral and non-polar, with leucine, which is neutral and non-polar, at codon 21 of the STAT4 protein (p.Phe21Leu). This variant is not present in population databases (gnomAD no frequency). This variant has not been reported in the literature in individuals affected with STAT4-related conditions. An algorithm developed to predict the effect of missense changes on protein structure and function (PolyPhen-2) suggests that this variant is likely to be tolerated. In summary, the available evidence is currently insufficient to determine the role of this variant in disease. Therefore, it has been classified as a Variant of Uncertain Significance.

NM_003151.4(STAT4):c.61T>C (p.Phe21Leu)

Gene: STAT4 (signal transducer and activator of transcription 4; minus strand). Cytogenetic location: 2q32.3.
Variant type: single nucleotide variant.
Coding change: c.61T>C on transcript NM_003151.4 (MANE Select); coding-DNA position 61, T replaced by C.
Protein change: p.Phe21Leu; replaces phenylalanine 21 with leucine.
Molecular consequence: missense variant.
Genome position (GRCh38, 1-based): chr2:191,148,143, A>G on the plus strand (T>C on the coding strand, the complement: STAT4 is on the minus strand). VCF-style: chr2-191148143-A-G. GRCh37 (hg19) VCF-style: chr2-192012869-A-G.
Other names: c.61T>C, p.Phe21Leu (NM_001243835.2); short protein forms F21L.
Identifiers: ClinVar variation 4734894 (VCV004734894.1).